The following is an entry in ClinVar:

NM_000264.5(PTCH1):c.4325G>A (p.Arg1442Gln)

Gene: PTCH1 (patched 1; minus strand). Cytogenetic location: 9q22.32.
Variant type: single nucleotide variant.
Coding change: c.4325G>A on transcript NM_000264.5 (MANE Select); coding-DNA position 4325, G replaced by A.
Protein change: p.Arg1442Gln; replaces arginine 1442 with glutamine.
Molecular consequence: missense variant. On other transcripts: non-coding transcript variant (1).
Genome position (GRCh38, 1-based): chr9:95,446,931, C>T on the plus strand (G>A on the coding strand, the complement: PTCH1 is on the minus strand). VCF-style: chr9-95446931-C-T. GRCh37 (hg19) VCF-style: chr9-98209213-C-T.
Other names: c.4127G>A, p.Arg1376Gln (NM_001083602.3); c.4322G>A, p.Arg1441Gln (NM_001083603.3); c.3872G>A, p.Arg1291Gln (NM_001083604.3, NM_001083605.3, NM_001083606.3 and 1 more transcripts); c.4169G>A, p.Arg1390Gln (NM_001354918.2); short protein forms R1376Q, R1442Q, R1291Q, R1390Q, R1441Q.
Identifiers: ClinVar variation 41667 (VCV000041667.56), dbSNP rs56023271, ClinGen allele CA161749.
Genomic context (GRCh38, chr9:95,446,931, plus strand): 5'-GGCTCTAGGTCCCTTGGCTGCCCTTGTCAGTGGCACTCACCTCAGTTGGAGCTGCTTCCC[C>T]GGGGCCTCTCCTCGCATTCCACGTCCTGCAGCTCAATGACTTCCACCTTCGAATCCCTCC-3'
Protein context (NP_000255.2, residues 1432-1447): LQDVECEERP[Arg1442Gln]GSSSN

ClinVar aggregate classification (germline): Conflicting classifications of pathogenicity. Review status: criteria provided, conflicting classifications (1 of 4 stars). 16 submissions from 15 submitters: Uncertain significance (1); Benign (3); Likely benign (6). 6 of the submissions do not count toward it. Last evaluated 2026-09-01.

Conditions:
Hereditary cancer-predisposing syndrome. Also called: Neoplastic Syndromes, Hereditary; Hereditary neoplastic syndrome; Hereditary Cancer Syndrome; Tumor predisposition. Identifiers: Orphanet 140162, MedGen C0027672, MeSH D009386, MONDO:0015356.
Holoprosencephaly 7 (HPE7). Identifiers: Orphanet 2162, MedGen C1835820, MONDO:0012562, OMIM 610828.
Gorlin syndrome. Also called: Basal cell nevus syndrome; Nevoid Basal Cell Carcinoma Syndrome. Identifiers: Orphanet 377, MedGen C0004779, MONDO:0007187.
PTCH1-related disorder. Also called: PTCH1-related disorders; PTCH1-related condition.

Allele frequency attached by ClinVar (database versions not stated): 1000 Genomes Project 30x 0.00062; gnomAD exomes 0.00043 and 0.00073; ESP Exome Variant Server 0.00015; gnomAD 0.00036 and 0.00047; TOPMed 0.00040; ExAC 0.00050; 1000 Genomes Project 0.00080.
gnomAD v4.1: 1,119 of 1,614,106 alleles (0.069%); highest among the groups gnomAD compares: East Asian, 1.4%; 4 homozygotes.

Submissions (16):

CeGaT Center for Human Genetics Tuebingen
Classification: Likely benign. Last evaluated: 2026-09-01. Review status: criteria provided, single submitter. Criteria: CeGaT Center For Human Genetics Tuebingen Variant Classification Criteria Version 2. Collection method: clinical testing. Allele origin: germline. Affected: yes. Observed: 11 variant alleles.
Comment: PTCH1: BP4, BS1

Labcorp Genetics (formerly Invitae), Labcorp
Classification: Benign for Gorlin syndrome. Last evaluated: 2026-02-01. Review status: criteria provided, single submitter. Criteria: Invitae Variant Classification Sherloc (09022015). Collection method: clinical testing. Allele origin: germline.

Center for Genomic Medicine, Rigshospitalet, Copenhagen University Hospital
Classification: Benign. Last evaluated: 2025-03-04. Review status: criteria provided, single submitter. Criteria: ACMG Guidelines, 2015. Collection method: clinical testing. Allele origin: germline.

Blueprint Genetics
Classification: Likely benign. Last evaluated: 2024-10-21. Review status: criteria provided, single submitter. Criteria: ACMG Guidelines, 2015. Collection method: clinical testing. Allele origin: germline.

Institute for Clinical Genetics, University Hospital TU Dresden, University Hospital TU Dresden
Classification: Uncertain significance. Last evaluated: 2021-11-03. Review status: criteria provided, single submitter. Criteria: ACMG Guidelines, 2015. Collection method: clinical testing. Allele origin: germline.

Sema4
Classification: Likely benign for Hereditary cancer-predisposing syndrome. Last evaluated: 2021-04-14. Review status: criteria provided, single submitter. Criteria: Sema4 Curation Guidelines. Collection method: curation. Allele origin: germline.

Ambry Genetics
Classification: Likely benign for Hereditary cancer-predisposing syndrome. Last evaluated: 2019-01-23. Review status: criteria provided, single submitter. Criteria: Ambry Variant Classification Scheme 2023. Collection method: clinical testing. Allele origin: germline.

Illumina Laboratory Services, Illumina
Classification: Likely benign for Basal cell nevus syndrome 1. Last evaluated: 2017-04-27. Review status: criteria provided, single submitter. Criteria: ICSL Variant Classification Criteria 13 December 2019. Collection method: clinical testing. Allele origin: germline.
Comment: This variant was observed as part of a predisposition screen in an ostensibly healthy population. A literature search was performed for the gene, cDNA change, and amino acid change (where applicable). Publications were found based on this search. The evidence from the literature, in combination with allele frequency data from public databases where available, was sufficient to determine this variant is unlikely to cause disease. Therefore, this variant is classified as likely benign.

Illumina Laboratory Services, Illumina
Classification: Likely benign for Holoprosencephaly 7. Last evaluated: 2017-04-27. Review status: criteria provided, single submitter. Criteria: ICSL Variant Classification Criteria 13 December 2019. Collection method: clinical testing. Allele origin: germline.
Comment: the same text as in the submission from Illumina Laboratory Services, Illumina above.

GeneDx
Classification: Benign. Last evaluated: 2015-08-19. Review status: criteria provided, single submitter. Criteria: GeneDx Variant Classification (06012015). Collection method: clinical testing. Allele origin: germline. Affected: yes.
Comment: This variant is considered likely benign or benign based on one or more of the following criteria: it is a conservative change, it occurs at a poorly conserved position in the protein, it is predicted to be benign by multiple in silico algorithms, and/or has population frequency not consistent with disease.

PreventionGenetics, part of Exact Sciences
Classification: Likely benign for PTCH1-related condition. Last evaluated: 2019-07-09. Review status: no assertion criteria provided. Collection method: clinical testing. Allele origin: germline. Not counted in ClinVar's aggregate classification.
Comment: This variant is classified as likely benign based on ACMG/AMP sequence variant interpretation guidelines (Richards et al. 2015 PMID: 25741868, with internal and published modifications).

ITMI
No classification provided. Condition: AllHighlyPenetrant. Last evaluated: 2013-09-19. Review status: no classification provided. Collection method: reference population. Allele origin: germline. Not counted in ClinVar's aggregate classification.
Comment: Please see associated publication for description of ethnicities

Biesecker Lab/Clinical Genomics Section, National Institutes of Health
Classification: Uncertain significance. Last evaluated: 2012-07-13. Review status: no assertion criteria provided. Collection method: research. Allele origin: germline. Affected: no. Observed: 2 variant alleles. Study: ClinSeq. Not counted in ClinVar's aggregate classification.
ClinVar note: Converted during submission from variant of unknown significance to Uncertain significance.

Genome Diagnostics Laboratory, Amsterdam University Medical Center
Classification: Likely benign. Review status: no assertion criteria provided. Collection method: clinical testing. Allele origin: germline. Affected: yes. Study: VKGL Data-share Consensus. Not counted in ClinVar's aggregate classification.

Genome Diagnostics Laboratory, University Medical Center Utrecht
Classification: Benign. Review status: no assertion criteria provided. Collection method: clinical testing. Allele origin: germline. Affected: yes. Study: VKGL Data-share Consensus. Not counted in ClinVar's aggregate classification.

Laboratory of Diagnostic Genome Analysis, Leiden University Medical Center (LUMC)
Classification: Likely benign. Review status: no assertion criteria provided. Collection method: clinical testing. Allele origin: germline. Affected: yes. Study: VKGL Data-share Consensus. Not counted in ClinVar's aggregate classification.

Literature cited by the submitters: PubMed 21188540 (cited by Illumina Laboratory Services, Illumina); PubMed 24728327 (cited by Illumina Laboratory Services, Illumina and ITMI).